The following is an entry in ClinVar:

ClinVar aggregate classification (germline): Conflicting classifications of pathogenicity. Review status: criteria provided, conflicting classifications (1 of 4 stars). 2 submissions from 2 submitters: Uncertain significance (1); Likely benign (1). Last evaluated 2025-12-30.

Conditions:
Hereditary cancer-predisposing syndrome. Also called: Neoplastic Syndromes, Hereditary; Hereditary Cancer Syndrome; Tumor predisposition; Hereditary neoplastic syndrome. Identifiers: Orphanet 140162, MedGen C0027672, MeSH D009386, MONDO:0015356.

Allele frequency attached by ClinVar (database versions not stated): ExAC 0.00001; gnomAD exomes 0.00001 and 0.00002; TOPMed 0.00002.
gnomAD v4.1: 8 of 1,592,652 alleles (0.0005%); highest among the groups gnomAD compares: Admixed American, 0.01%; no homozygotes.

Submissions (2):

Labcorp Genetics (formerly Invitae), Labcorp
Classification: Likely benign. Last evaluated: 2025-12-30. Review status: criteria provided, single submitter. Criteria: Invitae Variant Classification Sherloc (09022015). Collection method: clinical testing. Allele origin: germline.

Sema4
Classification: Uncertain significance for Hereditary cancer-predisposing syndrome. Last evaluated: 2021-11-01. Review status: criteria provided, single submitter. Criteria: Sema4 Curation Guidelines. Collection method: curation. Allele origin: germline.
Comment: The FH c.739-15T>G variant has been reported in heterozygosity in at least one individual with multiple leiomyomatosis (PMID: 11865300). This variant was observed in 4/33504 chromosomes in the Latino population according to the Genome Aggregation Database (PMID: 32461654), and has been reported in ClinVar (Variation ID: 706597). In silico tools suggest the variant does not disrupt normal splicing, though these predictions have not been confirmed by functional studies.

Literature cited by the submitters: PubMed 11865300 (cited by Sema4).

NM_000143.4(FH):c.739-15T>G

Gene: FH (fumarate hydratase; minus strand). Cytogenetic location: 1q43.
Variant type: single nucleotide variant.
Coding change: c.739-15T>G on transcript NM_000143.4 (MANE Select); 15 bases into the intron before coding-DNA position 739, T replaced by G.
Molecular consequence: intron variant.
Genome position (GRCh38, 1-based): chr1:241,506,183, A>C on the plus strand (T>G on the coding strand, the complement: FH is on the minus strand). VCF-style: chr1-241506183-A-C. GRCh37 (hg19) VCF-style: chr1-241669483-A-C.
Identifiers: ClinVar variation 706597 (VCV000706597.12), dbSNP rs746109501, ClinGen allele CA1478620.
Genomic context (GRCh38, chr1:241,506,183, plus strand): 5'-TTCTTGTCATTGCATATTTTACTTGTTGAACATAACCACTAAATTCCTGAAAAGAAAAGA[A>C]AATTAAGGTAAGAATAAGTAATTCCTAATAGCTTACAAGTTACTCTAACTGCATTAAATA-3'